The following is an entry in ClinVar:

NM_012123.4(MTO1):c.1638-281A>T

Gene: MTO1 (mitochondrial tRNA translation optimization 1; plus strand). Cytogenetic location: 6q13.
Variant type: single nucleotide variant.
Coding change: c.1638-281A>T on transcript NM_012123.4 (MANE Select); 281 bases into the intron before coding-DNA position 1638, A replaced by T.
Molecular consequence: intron variant.
Genome position (GRCh38, 1-based): chr6:73,491,953, A>T. VCF-style: chr6-73491953-A-T. GRCh37 (hg19) VCF-style: chr6-74201676-A-T.
Other names: c.1713-281A>T (NM_133645.3); c.1758-281A>T (NM_001123226.2).
Identifiers: ClinVar variation 682640 (VCV000682640.1), dbSNP rs516203, ClinGen allele CA140927461.

ClinVar aggregate classification (germline): Benign (1 of 4 stars; one submission).

Allele frequency attached by ClinVar (database versions not stated): TOPMed 0.89790; gnomAD 0.90199 and 0.90401; 1000 Genomes Project 30x 0.90818; 1000 Genomes Project 0.91294; gnomAD exomes 0.92245.
gnomAD v4.1: 222,546 of 244,330 alleles (91%); highest among the groups gnomAD compares: East Asian, 95%; 101,544 homozygotes.

Submission:

GeneDx
Classification: Benign. Last evaluated: 2018-06-14. Review status: criteria provided, single submitter. Criteria: GeneDx Variant Classification (06012015). Collection method: clinical testing. Allele origin: germline. Affected: yes.
Comment: This variant is considered likely benign or benign based on one or more of the following criteria: it is a conservative change, it occurs at a poorly conserved position in the protein, it is predicted to be benign by multiple in silico algorithms, and/or has population frequency not consistent with disease.